The following is an entry in ClinVar:

ClinVar aggregate classification (germline): Uncertain significance (1 of 4 stars; one submission).

Conditions:
Leigh syndrome (NULS). Also called: Leigh's necrotizing encephalopathy; Leigh's disease; Leigh's syndrome; LEIGH SYNDROME, NUCLEAR; Leigh Syndrome (mtDNA deletion); Leigh Disease. Identifiers: Orphanet 506, MedGen C2931891, MONDO:0009723, OMIM 256000.

Submission:

Wong Mito Lab, Molecular and Human Genetics, Baylor College of Medicine
Classification: Uncertain significance for Leigh syndrome. Last evaluated: 2019-10-17. Review status: criteria provided, single submitter. Criteria: Modified ACMG Guidelines (Unpublished). Collection method: clinical testing. Allele origin: germline.
Comment: The NC_012920.1:m.15141T>C (YP_003024038.1:p.Val132Ala) variant in MTCYB gene is interpretated to be a Uncertain Significance variant based on the modified ACMG guidelines (unpublished). This variant meets the following evidence codes: PP6, PP7

NC_012920.1(MT-CYB):m.15141T>C

Gene: MT-CYB (mitochondrially encoded cytochrome b; plus strand).
Variant type: single nucleotide variant.
Genome position: chrM-15141-T-C.
Identifiers: ClinVar variation 693832 (VCV000693832.1), dbSNP rs1603225108, ClinGen allele CA913173056.